The following is an entry in ClinVar:

NM_023110.3(FGFR1):c.565C>T (p.Arg189Cys)

Gene: FGFR1 (fibroblast growth factor receptor 1; minus strand). Cytogenetic location: 8p11.23.
Variant type: single nucleotide variant.
Coding change: c.565C>T on transcript NM_023110.3 (MANE Select); coding-DNA position 565, C replaced by T.
Protein change: p.Arg189Cys; replaces arginine 189 with cysteine.
Molecular consequence: missense variant.
Genome position (GRCh38, 1-based): chr8:38,427,977, G>A on the plus strand (C>T on the coding strand, the complement: FGFR1 is on the minus strand). VCF-style: chr8-38427977-G-A. GRCh37 (hg19) VCF-style: chr8-38285495-G-A.
Other names: c.565C>T, p.Arg189Cys (NM_001174063.2); c.541C>T, p.Arg181Cys (NM_001174064.2); c.559C>T, p.Arg187Cys (NM_001174065.2, NM_001354367.2, NM_001354369.2 and 1 more transcripts); c.298C>T, p.Arg100Cys (NM_001174066.2, NM_023105.3); c.658C>T, p.Arg220Cys (NM_001174067.2); c.292C>T, p.Arg98Cys (NM_001354368.2, NM_001354370.2, NM_023106.3); short protein forms R189C, R100C, R181C, R187C, R220C, R98C.
Identifiers: ClinVar variation 183685 (VCV000183685.4), dbSNP rs863223331, ClinGen allele CA279059.
Genomic context (GRCh38, chr8:38,427,977, plus strand): 5'-GTACCTTGTAGCCTCCAATTCTGTGGTCAGGTTTGAATTCTTTGCCATTTTTCAACCAGC[G>A]CAGTGTGGGGTTTGGGGTCCCACTGGAAGGGCATTTGAACTTCACTGTCTTGGCAGCCGG-3'
Protein context (NP_075598.2, residues 179-199): PSSGTPNPTL[Arg189Cys]WLKNGKEFKP

ClinVar aggregate classification (germline): Conflicting classifications of pathogenicity. Review status: criteria provided, conflicting classifications (1 of 4 stars). 3 submissions from 3 submitters: Pathogenic (1); Likely pathogenic (1); Uncertain significance (1). Last evaluated 2023-05-04.

Conditions:
FGFR1-related disorder. Also called: FGFR1-related condition; FGFR1-related disorders. Identifiers: MedGen CN380097.
Hypogonadotropic hypogonadism 2 with or without anosmia (HH2). Also called: HYPOGONADOTROPIC HYPOGONADISM 2 WITHOUT ANOSMIA; HYPOGONADOTROPIC HYPOGONADISM 2 WITH OR WITHOUT ANOSMIA, SUSCEPTIBILITY TO; HYPOGONADOTROPIC HYPOGONADISM 2 WITHOUT ANOSMIA, SUSCEPTIBILITY TO; FGFR1-Related GnRH Deficiency (Kallmann Syndrome 2). Identifiers: Orphanet 478, MedGen C1563720, MONDO:0007844, OMIM 147950. Disease mechanism: loss of function.

gnomAD v4.1: 1 of 1,614,222 alleles (0.000062%); no homozygotes.

Submissions (3):

Reproductive Endocrine Unit, Massachusetts General Hospital
Classification: Uncertain significance for Hypogonadotropic hypogonadism 2 with or without anosmia. Last evaluated: 2023-05-04. Review status: criteria provided, single submitter. Criteria: ACMG Guidelines, 2015. Collection method: research. Allele origin: unknown. Affected: yes. Observed: 1 variant allele.
Comment: The variant has been classified as VUS based on the variant meeting the following ACMG Criteria: PM2,PP3.

Blueprint Genetics
Classification: Likely pathogenic for FGFR1-related disorders. Last evaluated: 2022-08-22. Review status: criteria provided, single submitter. Criteria: ACMG Guidelines, 2015. Collection method: clinical testing. Allele origin: germline. Affected: yes. Observed: 1 variant allele.

Department of Endocrinology and Metabolism, The First Affiliated Hospital of Sun Yet-sen University
Classification: Pathogenic for Kallmann syndrome 2. Review status: criteria provided, single submitter. Criteria: The evaluation of idiopathic hypogonadotropic hypogonadism. Collection method: clinical testing. Allele origin: unknown. Affected: yes. Observed: 1 heterozygote.